The following is an entry in ClinVar:

NM_006514.4(SCN10A):c.1486A>G (p.Lys496Glu)

Gene: SCN10A (sodium voltage-gated channel alpha subunit 10; minus strand). Cytogenetic location: 3p22.2.
Variant type: single nucleotide variant.
Coding change: c.1486A>G on transcript NM_006514.4 (MANE Select); coding-DNA position 1486, A replaced by G.
Protein change: p.Lys496Glu; replaces lysine 496 with glutamic acid.
Molecular consequence: missense variant. On other transcripts: intron variant (1).
Genome position (GRCh38, 1-based): chr3:38,752,488, T>C on the plus strand (A>G on the coding strand, the complement: SCN10A is on the minus strand). VCF-style: chr3-38752488-T-C. GRCh37 (hg19) VCF-style: chr3-38793979-T-C.
Other names: c.1486A>G, p.Lys496Glu (NM_001293306.2); c.1462-2304A>G (NM_001293307.2); short protein forms K496E.
Identifiers: ClinVar variation 407757 (VCV000407757.6), dbSNP rs755100226, ClinGen allele CA2320837.
Genomic context (GRCh38, chr3:38,752,488, plus strand): 5'-GTGAGATATCTCGGCCAGGGGACCGGAAATGGAACACACTGCCATGACTAGCCCGGCGTT[T>C]TCCAGAGGCGAGGCCTAGAAAAGACTGGGCATTGCCCCAAAGGAGCAAGAAGGCTGGAAA-3'
Protein context (NP_006505.4, residues 486-506): RMSFLGLASG[Lys496Glu]RRASHGSVFH

ClinVar aggregate classification (germline): Uncertain significance. Review status: criteria provided, multiple submitters, no conflicts (2 of 4 stars). 3 submissions from 3 submitters: Uncertain significance (3). Last evaluated 2026-01-29.

Conditions:
Cardiovascular phenotype. Identifiers: MedGen CN230736.
Brugada syndrome. Also called: Sudden unexpected nocturnal death syndrome; Sudden unexplained nocturnal death syndrome; Sudden Unexplained Death Syndrome; Sudden Unexplained Nocturnal Death Syndrome (SUNDS). Identifiers: Orphanet 130, MedGen C1142166, MONDO:0015263.

Allele frequency attached by ClinVar (database versions not stated): gnomAD 0.00001 and 0.00003; gnomAD exomes 0.00001 and 0.00003; TOPMed 0.00002; ExAC 0.00003.
gnomAD v4.1: 17 of 1,598,764 alleles (0.0011%); highest among the groups gnomAD compares: Admixed American, 0.01%; no homozygotes.

Submissions (3):

GeneDx
Classification: Uncertain significance. Last evaluated: 2026-01-29. Review status: criteria provided, single submitter. Criteria: GeneDx Variant Classification Process June 2021. Collection method: clinical testing. Allele origin: germline.
Comment: In silico analysis suggests that this missense variant does not alter protein structure/function; Has not been previously published as pathogenic or benign to our knowledge

Labcorp Genetics (formerly Invitae), Labcorp
Classification: Uncertain significance for Brugada syndrome. Last evaluated: 2025-05-27. Review status: criteria provided, single submitter. Criteria: Invitae Variant Classification Sherloc (09022015). Collection method: clinical testing. Allele origin: germline.
Comment: This sequence change replaces lysine, which is basic and polar, with glutamic acid, which is acidic and polar, at codon 496 of the SCN10A protein (p.Lys496Glu). This variant is present in population databases (rs755100226, gnomAD 0.01%). This variant has not been reported in the literature in individuals affected with SCN10A-related conditions. ClinVar contains an entry for this variant (Variation ID: 407757). Invitae Evidence Modeling of protein sequence and biophysical properties (such as structural, functional, and spatial information, amino acid conservation, physicochemical variation, residue mobility, and thermodynamic stability) indicates that this missense variant is not expected to disrupt SCN10A protein function with a negative predictive value of 80%. In summary, the available evidence is currently insufficient to determine the role of this variant in disease. Therefore, it has been classified as a Variant of Uncertain Significance.

Ambry Genetics
Classification: Uncertain significance for Cardiovascular phenotype. Last evaluated: 2022-02-20. Review status: criteria provided, single submitter. Criteria: Ambry Variant Classification Scheme 2023. Collection method: clinical testing. Allele origin: germline.
Comment: The p.K496E variant (also known as c.1486A>G), located in coding exon 11 of the SCN10A gene, results from an A to G substitution at nucleotide position 1486. The lysine at codon 496 is replaced by glutamic acid, an amino acid with similar properties. This amino acid position is poorly conserved in available vertebrate species. In addition, this alteration is predicted to be tolerated by in silico analysis. The evidence for this gene-disease relationship is limited; therefore, the clinical significance of this alteration is unclear.